The following is an entry in ClinVar:

NM_139027.6(ADAMTS13):c.3399G>T (p.Gln1133His)

Gene: ADAMTS13 (ADAM metallopeptidase with thrombospondin type 1 motif 13; plus strand). Cytogenetic location: 9q34.2.
Variant type: single nucleotide variant.
Coding change: c.3399G>T on transcript NM_139027.6 (MANE Select); coding-DNA position 3399, G replaced by T.
Protein change: p.Gln1133His; replaces glutamine 1133 with histidine.
Molecular consequence: missense variant. On other transcripts: non-coding transcript variant (1).
Genome position (GRCh38, 1-based): chr9:133,455,434, G>T. VCF-style: chr9-133455434-G-T. GRCh37 (hg19) VCF-style: chr9-136320556-G-T.
Other names: c.3399G>T, p.Gln1133His (NM_139025.5); c.3306G>T, p.Gln1102His (NM_139026.6); short protein forms Q1133H, Q1102H.
Identifiers: ClinVar variation 1922982 (VCV001922982.2), dbSNP rs895235456, ClinGen allele CA200944089.

ClinVar aggregate classification (germline): Uncertain significance (1 of 4 stars; one submission).

Allele frequency attached by ClinVar (database versions not stated): gnomAD 0.00001; TOPMed 0.00001.
gnomAD v4.1: 23 of 1,612,454 alleles (0.0014%); highest among the groups gnomAD compares: Non-Finnish European, 0.0018%; no homozygotes.

Submission:

Labcorp Genetics (formerly Invitae), Labcorp
Classification: Uncertain significance. Last evaluated: 2022-06-13. Review status: criteria provided, single submitter. Criteria: Invitae Variant Classification Sherloc (09022015). Collection method: clinical testing. Allele origin: germline.
Comment: This sequence change replaces glutamine, which is neutral and polar, with histidine, which is basic and polar, at codon 1133 of the ADAMTS13 protein (p.Gln1133His). This variant is not present in population databases (gnomAD no frequency). This variant has not been reported in the literature in individuals affected with ADAMTS13-related conditions. Algorithms developed to predict the effect of missense changes on protein structure and function (SIFT, PolyPhen-2, Align-GVGD) all suggest that this variant is likely to be tolerated. In summary, the available evidence is currently insufficient to determine the role of this variant in disease. Therefore, it has been classified as a Variant of Uncertain Significance.